The following is an entry in ClinVar:

NM_032816.5(CEP89):c.1733+6T>A

Gene: CEP89 (centrosomal protein 89; minus strand). Cytogenetic location: 19q13.11.
Variant type: single nucleotide variant.
Coding change: c.1733+6T>A on transcript NM_032816.5 (MANE Select); 6 bases into the intron after coding-DNA position 1733, T replaced by A.
Molecular consequence: intron variant.
Genome position (GRCh38, 1-based): chr19:32,901,239, A>T on the plus strand (T>A on the coding strand, the complement: CEP89 is on the minus strand). VCF-style: chr19-32901239-A-T. GRCh37 (hg19) VCF-style: chr19-33392145-A-T.
Identifiers: ClinVar variation 1670753 (VCV001670753.33), dbSNP rs187153462, ClinGen allele CA9359194.

ClinVar aggregate classification (germline): Benign/Likely benign. Review status: criteria provided, multiple submitters, no conflicts (2 of 4 stars). 2 submissions from 2 submitters: Benign (1); Likely benign (1). Last evaluated 2026-01-12.

Allele frequency attached by ClinVar (database versions not stated): 1000 Genomes Project 0.00120; 1000 Genomes Project 30x 0.00125; TOPMed 0.00215; gnomAD 0.00245 and 0.00250; ExAC 0.00283; gnomAD exomes 0.00291 and 0.00327; ESP Exome Variant Server 0.00338.
gnomAD v4.1: 5,145 of 1,609,520 alleles (0.32%); highest among the groups gnomAD compares: Middle Eastern, 0.58%; 13 homozygotes.

Submissions (6):

Labcorp Genetics (formerly Invitae), Labcorp
Classification: Benign. Last evaluated: 2026-01-12. Review status: criteria provided, single submitter. Criteria: Invitae Variant Classification Sherloc (09022015). Collection method: clinical testing. Allele origin: germline.

CeGaT Center for Human Genetics Tuebingen
Classification: Likely benign. Last evaluated: 2023-10-01. Review status: criteria provided, single submitter. Criteria: CeGaT Center For Human Genetics Tuebingen Variant Classification Criteria Version 2. Collection method: clinical testing. Allele origin: germline. Affected: yes. Observed: 1 variant allele.
Comment: CEP89: BP4, BS2

Dr. Peter K. Rogan Lab, Western University
No classification provided (evidence only). Condition: Familial cancer of breast. Review status: no classification provided. Collection method: in vitro. Allele origin: not applicable. Functional consequence: retained intron. Not counted in ClinVar's aggregate classification.

Dr. Peter K. Rogan Lab, Western University
No classification provided (evidence only). Condition: Familial cancer of breast. Review status: no classification provided. Collection method: in vitro. Allele origin: not applicable. Functional consequence: retained intron. Not counted in ClinVar's aggregate classification.

Dr. Peter K. Rogan Lab, Western University
No classification provided (evidence only). Condition: Familial cancer of breast. Review status: no classification provided. Collection method: in vitro. Allele origin: not applicable. Functional consequence: skipped exon. Not counted in ClinVar's aggregate classification.

Dr. Peter K. Rogan Lab, Western University
No classification provided (evidence only). Condition: Gastric cancer. Review status: no classification provided. Collection method: in vitro. Allele origin: not applicable. Functional consequence: retained intron. Not counted in ClinVar's aggregate classification.